The following is an entry in ClinVar:

ClinVar aggregate classification (germline): Uncertain significance (1 of 4 stars; one submission).

Allele frequency attached by ClinVar (database versions not stated): gnomAD exomes below 0.00001.
gnomAD v4.1: 1 of 1,613,456 alleles (0.000062%); highest among the groups gnomAD compares: Non-Finnish European, 0.000085%; no homozygotes.

Submission:

Labcorp Genetics (formerly Invitae), Labcorp
Classification: Uncertain significance. Last evaluated: 2021-11-26. Review status: criteria provided, single submitter. Criteria: Invitae Variant Classification Sherloc (09022015). Collection method: clinical testing. Allele origin: germline.
Comment: In summary, the available evidence is currently insufficient to determine the role of this variant in disease. Therefore, it has been classified as a Variant of Uncertain Significance. Algorithms developed to predict the effect of missense changes on protein structure and function are either unavailable or do not agree on the potential impact of this missense change (SIFT: "Deleterious"; PolyPhen-2: "Not Available"; Align-GVGD: "Class C0"). This variant has not been reported in the literature in individuals affected with PCLO-related conditions. This variant is not present in population databases (gnomAD no frequency). This sequence change replaces serine, which is neutral and polar, with alanine, which is neutral and non-polar, at codon 1891 of the PCLO protein (p.Ser1891Ala).

NM_033026.6(PCLO):c.5671T>G (p.Ser1891Ala)

Gene: PCLO (piccolo presynaptic cytomatrix protein; minus strand). Cytogenetic location: 7q21.11.
Variant type: single nucleotide variant.
Coding change: c.5671T>G on transcript NM_033026.6 (MANE Select); coding-DNA position 5671, T replaced by G.
Protein change: p.Ser1891Ala; replaces serine 1891 with alanine.
Molecular consequence: missense variant.
Genome position (GRCh38, 1-based): chr7:82,955,282, A>C on the plus strand (T>G on the coding strand, the complement: PCLO is on the minus strand). VCF-style: chr7-82955282-A-C. GRCh37 (hg19) VCF-style: chr7-82584598-A-C.
Other names: c.5671T>G, p.Ser1891Ala (NM_014510.3); short protein forms S1891A.
Identifiers: ClinVar variation 1447484 (VCV001447484.6), dbSNP rs2115563169, ClinGen allele CA367923645.
Genomic context (GRCh38, chr7:82,955,282, plus strand): 5'-ACGCCTTTTGGCTACCTTCTTTCTGCATAATAGATTGCTCATCTGTTGGTGAGTATAATG[A>C]AACAGCTGTGGGCAATTTATAAACTTTTTGTACTTCTATTATTTTTTCCGGGCTTATTTC-3'
Protein context (NP_149015.2, residues 1881-1901): QKVYKLPTAV[Ser1891Ala]LYSPTDEQSI